The following is an entry in ClinVar:

NM_001330723.2(SNX27):c.595G>C (p.Glu199Gln)

Gene: SNX27 (sorting nexin 27; plus strand). Cytogenetic location: 1q21.3.
Variant type: single nucleotide variant.
Coding change: c.595G>C on transcript NM_001330723.2 (MANE Select); coding-DNA position 595, G replaced by C.
Protein change: p.Glu199Gln; replaces glutamic acid 199 with glutamine.
Molecular consequence: missense variant.
Genome position (GRCh38, 1-based): chr1:151,658,286, G>C. VCF-style: chr1-151658286-G-C. GRCh37 (hg19) VCF-style: chr1-151630762-G-C.
Other names: c.595G>C, p.Glu199Gln (NM_030918.6); short protein forms E199Q.
Identifiers: ClinVar variation 654764 (VCV000654764.11), dbSNP rs1176950317, ClinGen allele CA341958488.

ClinVar aggregate classification (germline): Uncertain significance (1 of 4 stars; one submission).

Conditions:
Severe myoclonic epilepsy in infancy (DRVT). Also called: SEVERE MYOCLONIC EPILEPSY OF INFANCY; Epileptic encephalopathy, early infantile, 6 (Dravet syndrome); Dravet syndrome; DEVELOPMENTAL AND EPILEPTIC ENCEPHALOPATHY 6A; Severe Myoclonic Epilepsy in Infancy (SMEI). Identifiers: Orphanet 33069, MedGen C0751122, MONDO:0100135, OMIM 607208.

Allele frequency attached by ClinVar (database versions not stated): gnomAD exomes below 0.00001.
gnomAD v4.1: 1 of 1,614,110 alleles (0.000062%); highest among the groups gnomAD compares: Non-Finnish European, 0.000085%; no homozygotes.

Submission:

Labcorp Genetics (formerly Invitae), Labcorp
Classification: Uncertain significance for Severe myoclonic epilepsy in infancy. Last evaluated: 2019-07-18. Review status: criteria provided, single submitter. Criteria: Invitae Variant Classification Sherloc (09022015). Collection method: clinical testing. Allele origin: germline.
Comment: This sequence change replaces glutamic acid with glutamine at codon 199 of the SNX27 protein (p.Glu199Gln). The glutamic acid residue is highly conserved and there is a small physicochemical difference between glutamic acid and glutamine. This variant is not present in population databases (ExAC no frequency). This variant has not been reported in the literature in individuals with SNX27-related disease. Algorithms developed to predict the effect of missense changes on protein structure and function (SIFT, PolyPhen-2, Align-GVGD) all suggest that this variant is likely to be disruptive, but these predictions have not been confirmed by published functional studies and their clinical significance is uncertain. In summary, the available evidence is currently insufficient to determine the role of this variant in disease. Therefore, it has been classified as a Variant of Uncertain Significance.